The following is an entry in ClinVar:

ClinVar aggregate classification (germline): Uncertain significance (1 of 4 stars; one submission).

Conditions:
Encephalopathy, acute, infection-induced (herpes-specific), susceptibility to, 1. Also called: Herpes simplex encephalitis, susceptibility to, 1. Identifiers: Orphanet 1930, MedGen C2750180, MONDO:0024563, OMIM 610551.

Submission:

Labcorp Genetics (formerly Invitae), Labcorp
Classification: Uncertain significance for Encephalopathy, acute, infection-induced (herpes-specific), susceptibility to, 1. Last evaluated: 2024-10-07. Review status: criteria provided, single submitter. Criteria: Invitae Variant Classification Sherloc (09022015). Collection method: clinical testing. Allele origin: germline.
Comment: This sequence change replaces isoleucine, which is neutral and non-polar, with valine, which is neutral and non-polar, at codon 346 of the TLR3 protein (p.Ile346Val). This variant is not present in population databases (gnomAD no frequency). This variant has not been reported in the literature in individuals affected with TLR3-related conditions. An algorithm developed to predict the effect of missense changes on protein structure and function (PolyPhen-2) suggests that this variant is likely to be tolerated. In summary, the available evidence is currently insufficient to determine the role of this variant in disease. Therefore, it has been classified as a Variant of Uncertain Significance.

NM_003265.3(TLR3):c.1036A>G (p.Ile346Val)

Gene: TLR3 (toll like receptor 3; plus strand). Cytogenetic location: 4q35.1.
Variant type: single nucleotide variant.
Coding change: c.1036A>G on transcript NM_003265.3 (MANE Select); coding-DNA position 1036, A replaced by G.
Protein change: p.Ile346Val; replaces isoleucine 346 with valine.
Molecular consequence: missense variant.
Genome position (GRCh38, 1-based): chr4:186,082,722, A>G. VCF-style: chr4-186082722-A-G. GRCh37 (hg19) VCF-style: chr4-187003876-A-G.
Other names: short protein forms I346V.
Identifiers: ClinVar variation 3648159 (VCV003648159.2).